The following is an entry in ClinVar:

ClinVar aggregate classification (germline): Uncertain significance (1 of 4 stars; one submission).

gnomAD v4.1: 11 of 1,614,050 alleles (0.00068%); highest among the groups gnomAD compares: Admixed American, 0.0017%; no homozygotes.

Submission:

Labcorp Genetics (formerly Invitae), Labcorp
Classification: Uncertain significance. Last evaluated: 2024-11-10. Review status: criteria provided, single submitter. Criteria: Invitae Variant Classification Sherloc (09022015). Collection method: clinical testing. Allele origin: germline.
Comment: This sequence change replaces tyrosine, which is neutral and polar, with cysteine, which is neutral and slightly polar, at codon 126 of the KIF22 protein (p.Tyr126Cys). This variant is present in population databases (rs764389481, gnomAD 0.006%). This missense change has been observed in individual(s) with clinical features of KIF22-related conditions (PMID: 36344503). Invitae Evidence Modeling of protein sequence and biophysical properties (such as structural, functional, and spatial information, amino acid conservation, physicochemical variation, residue mobility, and thermodynamic stability) indicates that this missense variant is expected to disrupt KIF22 protein function with a positive predictive value of 80%. In summary, the available evidence is currently insufficient to determine the role of this variant in disease. Therefore, it has been classified as a Variant of Uncertain Significance.

Literature cited by the submitters: PubMed 36344503.

NM_007317.3(KIF22):c.377A>G (p.Tyr126Cys)

Gene: KIF22 (kinesin family member 22; plus strand). Cytogenetic location: 16p11.2.
Variant type: single nucleotide variant.
Coding change: c.377A>G on transcript NM_007317.3 (MANE Select); coding-DNA position 377, A replaced by G.
Protein change: p.Tyr126Cys; replaces tyrosine 126 with cysteine.
Molecular consequence: missense variant.
Genome position (GRCh38, 1-based): chr16:29,798,484, A>G. VCF-style: chr16-29798484-A-G. GRCh37 (hg19) VCF-style: chr16-29809805-A-G.
Other names: c.173A>G, p.Tyr58Cys (NM_001256269.2, NM_001256270.1); short protein forms Y126C, Y58C.
Identifiers: ClinVar variation 3635380 (VCV003635380.2).